The following is an entry in ClinVar:

ClinVar aggregate classification (germline): Uncertain significance. Review status: criteria provided, multiple submitters, no conflicts (2 of 4 stars). 3 submissions from 3 submitters: Uncertain significance (3). Last evaluated 2025-04-03.

Conditions:
Inborn genetic diseases. Identifiers: MedGen C0950123, MeSH D030342.

Allele frequency attached by ClinVar (database versions not stated): TOPMed 0.00002; gnomAD exomes below 0.00001.
gnomAD v4.1: 5 of 1,613,950 alleles (0.00031%); highest among the groups gnomAD compares: African/African-American, 0.0067%; no homozygotes.

Submissions (3):

Ambry Genetics
Classification: Uncertain significance for Inborn genetic diseases. Last evaluated: 2025-04-03. Review status: criteria provided, single submitter. Criteria: Ambry Variant Classification Scheme 2023. Collection method: clinical testing. Allele origin: germline.

GeneDx
Classification: Uncertain significance. Last evaluated: 2024-04-08. Review status: criteria provided, single submitter. Criteria: GeneDx Variant Classification Process June 2021. Collection method: clinical testing. Allele origin: germline. Affected: yes.
Comment: Not observed at significant frequency in large population cohorts (gnomAD); In silico analysis indicates that this missense variant does not alter protein structure/function; Has not been previously published as pathogenic or benign to our knowledge

Athena Diagnostics
Classification: Uncertain significance. Last evaluated: 2021-07-22. Review status: criteria provided, single submitter. Criteria: Athena Diagnostics Criteria. Collection method: clinical testing. Allele origin: unknown.

NM_014363.6(SACS):c.7367C>T (p.Thr2456Ile)

Gene: SACS (sacsin molecular chaperone; minus strand). Cytogenetic location: 13q12.12.
Variant type: single nucleotide variant.
Coding change: c.7367C>T on transcript NM_014363.6 (MANE Select); coding-DNA position 7367, C replaced by T.
Protein change: p.Thr2456Ile; replaces threonine 2456 with isoleucine.
Molecular consequence: missense variant.
Genome position (GRCh38, 1-based): chr13:23,336,509, G>A on the plus strand (C>T on the coding strand, the complement: SACS is on the minus strand). VCF-style: chr13-23336509-G-A. GRCh37 (hg19) VCF-style: chr13-23910648-G-A.
Other names: c.6926C>T, p.Thr2309Ile (NM_001278055.2); short protein forms T2309I, T2456I.
Identifiers: ClinVar variation 1806959 (VCV001806959.3), dbSNP rs1051632041, ClinGen allele CA246656909.
Genomic context (GRCh38, chr13:23,336,509, plus strand): 5'-ACTTTTATCCAAGGGCAATCATTGTAGCATAACGATTTAGCAGGGAGAAGCATAAGATTA[G>A]TATCTGGCAATAATATCTTGCCATAATTTTTCTCACAAAATTCTTGTTTCTTTTCTCTAA-3'
Protein context (NP_055178.3, residues 2446-2466): KNYGKILLPD[Thr2456Ile]NLMLLPAKSL